The following is an entry in ClinVar:

NM_024741.3(ZNF408):c.331-2A>G

Gene: ZNF408 (zinc finger protein 408; plus strand). Cytogenetic location: 11p11.2.
Variant type: single nucleotide variant.
Coding change: c.331-2A>G on transcript NM_024741.3 (MANE Select); the canonical splice acceptor site of the intron before coding-DNA position 331, A replaced by G.
Molecular consequence: splice acceptor variant.
Genome position (GRCh38, 1-based): chr11:46,702,702, A>G. VCF-style: chr11-46702702-A-G. GRCh37 (hg19) VCF-style: chr11-46724252-A-G.
Other names: c.307-2A>G (NM_001184751.2).
Identifiers: ClinVar variation 3775521 (VCV003775521.1).

ClinVar aggregate classification (germline): Pathogenic (1 of 4 stars; one submission).

Conditions:
Retinitis pigmentosa 72 (RP72). Identifiers: Orphanet 791, MedGen C4225315, MONDO:0014653, OMIM 616469.

Submission:

3billion
Classification: Pathogenic for Retinitis pigmentosa 72. Last evaluated: 2024-03-04. Review status: criteria provided, single submitter. Criteria: ACMG Guidelines, 2015. Collection method: clinical testing. Allele origin: germline. Affected: yes.
Comment: The variant is not observed in the gnomAD v2.1.1 dataset. Predicted Consequence/Location: Canonical splice site: predicted to alter splicing and result in a loss or disruption of normal protein function. Multiple pathogenic loss-of-function variants are reported downstream of the variant. In silico tools predict the variant to alter splicing and produce an abnormal transcript [Splice AI: 0.98 (spliceogenicity >=0.2, non-spliceogenicity <0.1)]. The variant has been reported to be associated with ZNF408 related disorder (3billion dataset). Therefore, this variant is classified as Pathogenic according to the recommendation of ACMG/AMP guideline.